The following is an entry in ClinVar:

NM_004415.4(DSP):c.4319T>G (p.Val1440Gly)

Gene: DSP (desmoplakin; plus strand). Cytogenetic location: 6p24.3.
Variant type: single nucleotide variant.
Coding change: c.4319T>G on transcript NM_004415.4 (MANE Select); coding-DNA position 4319, T replaced by G.
Protein change: p.Val1440Gly; replaces valine 1440 with glycine.
Molecular consequence: missense variant. On other transcripts: intron variant (2).
Genome position (GRCh38, 1-based): chr6:7,580,509, T>G. VCF-style: chr6-7580509-T-G. GRCh37 (hg19) VCF-style: chr6-7580742-T-G.
Other names: c.4050+269T>G (NM_001319034.2); c.3582+737T>G (NM_001008844.3); short protein forms V1440G.
Identifiers: ClinVar variation 4757045 (VCV004757045.1).

ClinVar aggregate classification (germline): Uncertain significance (1 of 4 stars; one submission).

Conditions:
Cardiomyopathy (CMYO). Also called: Cardiomyopathies. Identifiers: Orphanet 167848, MedGen C0878544, MONDO:0004994, HP:0001638. Inheritance: Various modes of inheritance.

Submission:

Color Diagnostics, LLC DBA Color Health
Classification: Uncertain significance for Cardiomyopathy. Last evaluated: 2025-06-23. Review status: criteria provided, single submitter. Criteria: ACMG Guidelines, 2015. Collection method: clinical testing. Allele origin: germline.
Comment: This missense variant replaces valine with glycine at codon 1440 of the DSP protein. Computational prediction suggests that this variant may not impact protein structure and function. To our knowledge, functional studies have not been reported for this variant. This variant has not been reported in individuals affected with DSP-related disorders in the literature. This variant has not been identified in the general population by the Genome Aggregation Database (gnomAD). The available evidence is insufficient to determine the role of this variant in disease conclusively. Therefore, this variant is classified as a Variant of Uncertain Significance.